The following is an entry in ClinVar:

NM_032608.7(MYO18B):c.1580C>T (p.Ala527Val)

Gene: MYO18B (myosin XVIIIB; plus strand). Cytogenetic location: 22q12.1.
Variant type: single nucleotide variant.
Coding change: c.1580C>T on transcript NM_032608.7 (MANE Select); coding-DNA position 1580, C replaced by T.
Protein change: p.Ala527Val; replaces alanine 527 with valine.
Molecular consequence: missense variant.
Genome position (GRCh38, 1-based): chr22:25,770,872, C>T. VCF-style: chr22-25770872-C-T. GRCh37 (hg19) VCF-style: chr22-26166839-C-T.
Other names: c.1580C>T, p.Ala527Val (NM_001318245.2); short protein forms A527V.
Identifiers: ClinVar variation 770475 (VCV000770475.12), dbSNP rs59815387, ClinGen allele CA10159895.

ClinVar aggregate classification (germline): Likely benign. Review status: criteria provided, multiple submitters, no conflicts (2 of 4 stars). 4 submissions from 4 submitters: Likely benign (4). Last evaluated 2026-01-12.

Conditions:
MYO18B-related disorder. Also called: MYO18B-related condition.

Allele frequency attached by ClinVar (database versions not stated): gnomAD exomes 0.00006 and 0.00019; ExAC 0.00034; 1000 Genomes Project 0.00060; ESP Exome Variant Server 0.00060; 1000 Genomes Project 30x 0.00062; gnomAD 0.00089 and 0.00096; TOPMed 0.00100.
gnomAD v4.1: 230 of 1,551,282 alleles (0.015%); highest among the groups gnomAD compares: African/African-American, 0.26%; no homozygotes.

Submissions (4):

Labcorp Genetics (formerly Invitae), Labcorp
Classification: Likely benign. Last evaluated: 2026-01-12. Review status: criteria provided, single submitter. Criteria: Invitae Variant Classification Sherloc (09022015). Collection method: clinical testing. Allele origin: germline.

PreventionGenetics, part of Exact Sciences
Classification: Likely benign for MYO18B-related condition. Last evaluated: 2024-12-30. Review status: criteria provided, single submitter. Criteria: ACMG Guidelines, 2015. Collection method: clinical testing. Allele origin: germline.
Comment: This variant is classified as likely benign based on ACMG/AMP sequence variant interpretation guidelines (Richards et al. 2015 PMID: 25741868, with internal and published modifications).

Blueprint Genetics
Classification: Likely benign. Last evaluated: 2024-05-03. Review status: criteria provided, single submitter. Criteria: ACMG Guidelines, 2015. Collection method: clinical testing. Allele origin: germline.

Breakthrough Genomics
Classification: Likely benign. Review status: criteria provided, single submitter. Criteria: ACMG Guidelines, 2015. Collection method: not provided. Allele origin: germline. Inheritance: Autosomal recessive inheritance. Affected: yes.